The following is an entry in ClinVar:

NM_015506.3(MMACHC):c.67G>T (p.Val23Phe)

Gene: MMACHC (metabolism of cobalamin associated C; plus strand). Cytogenetic location: 1p34.1.
Variant type: single nucleotide variant.
Coding change: c.67G>T on transcript NM_015506.3 (MANE Select); coding-DNA position 67, G replaced by T.
Protein change: p.Val23Phe; replaces valine 23 with phenylalanine.
Molecular consequence: missense variant. On other transcripts: 5 prime UTR variant (1).
Genome position (GRCh38, 1-based): chr1:45,500,399, G>T. VCF-style: chr1-45500399-G-T. GRCh37 (hg19) VCF-style: chr1-45966071-G-T.
Other names: p.Val23Phe; c.-156G>T (NM_001330540.2); short protein forms V23F.
Identifiers: ClinVar variation 297479 (VCV000297479.54), dbSNP rs201898615, ClinGen allele CA827615.

ClinVar aggregate classification (germline): Conflicting classifications of pathogenicity. Review status: criteria provided, conflicting classifications (1 of 4 stars). 12 submissions from 12 submitters: Uncertain significance (8); Likely benign (1). 3 of the submissions do not count toward it. Last evaluated 2026-01-22.

Conditions:
Methylmalonic aciduria and homocystinuria, cb1L type. Also called: METHYLMALONIC ACIDURIA AND HOMOCYSTINURIA, cblL TYPE. Identifiers: MedGen C5975387, MONDO:0975798, OMIM 620940.
Disorders of Intracellular Cobalamin Metabolism. Identifiers: MedGen CN043592.
Inborn genetic diseases. Identifiers: MedGen C0950123, MeSH D030342.
Cobalamin C disease. Also called: methylmalonic aciduria and homocystinuria type cblC; Methylmalonic aciduria and homocystinuria, Vitamin B12-responsive; Vitamin B12 metabolic defect with combined deficiency of methylmalonyl-CoA mutase and homocysteine:methyltetrahydrofolate methyltransferase; Methylmalonic aciduria with homocystinuria cblC type; Cobalamin-C methylmalonic acidemia and homocystinuria; Methylmalonic acidemia and homocystinuria cblC type. Identifiers: Orphanet 26, Orphanet 79282, MedGen C1848561, MONDO:0010184, OMIM 277400.

Allele frequency attached by ClinVar (database versions not stated): gnomAD 0.00038; 1000 Genomes Project 0.00040; ExAC 0.00041; gnomAD exomes 0.00041; TOPMed 0.00043; 1000 Genomes Project 30x 0.00047.
gnomAD v4.1: 1,356 of 1,614,192 alleles (0.084%); highest among the groups gnomAD compares: Non-Finnish European, 0.11%; no homozygotes.

Submissions (12):

Labcorp Genetics (formerly Invitae), Labcorp
Classification: Uncertain significance for Cobalamin C disease. Last evaluated: 2026-01-22. Review status: criteria provided, single submitter. Criteria: Invitae Variant Classification Sherloc (09022015). Collection method: clinical testing. Allele origin: germline.
Comment: This sequence change replaces valine, which is neutral and non-polar, with phenylalanine, which is neutral and non-polar, at codon 23 of the MMACHC protein (p.Val23Phe). This variant is present in population databases (rs201898615, gnomAD 0.07%). This variant has not been reported in the literature in individuals affected with MMACHC-related conditions. ClinVar contains an entry for this variant (Variation ID: 297479). Invitae Evidence Modeling of protein sequence and biophysical properties (such as structural, functional, and spatial information, amino acid conservation, physicochemical variation, residue mobility, and thermodynamic stability) has been performed for this missense variant. However, the output from this modeling did not meet the statistical confidence thresholds required to predict the impact of this variant on MMACHC protein function. In summary, the available evidence is currently insufficient to determine the role of this variant in disease. Therefore, it has been classified as a Variant of Uncertain Significance.

Mayo Clinic Laboratories, Mayo Clinic
Classification: Uncertain significance. Last evaluated: 2025-06-30. Review status: criteria provided, single submitter. Criteria: ACMG Guidelines, 2015. Collection method: clinical testing. Allele origin: germline. Observed: 7 variant alleles.
Comment: PP3_moderate

Blueprint Genetics
Classification: Likely benign. Last evaluated: 2024-09-14. Review status: criteria provided, single submitter. Criteria: ACMG Guidelines, 2015. Collection method: clinical testing. Allele origin: germline.

Ambry Genetics
Classification: Uncertain significance for Inborn genetic diseases. Last evaluated: 2024-06-04. Review status: criteria provided, single submitter. Criteria: Ambry Variant Classification Scheme 2023. Collection method: clinical testing. Allele origin: germline.
Comment: The c.67G>T (p.V23F) alteration is located in exon 1 (coding exon 1) of the MMACHC gene. This alteration results from a G to T substitution at nucleotide position 67, causing the valine (V) at amino acid position 23 to be replaced by a phenylalanine (F). The p.V23F alteration is predicted to be deleterious by in silico analysis. Based on insufficient or conflicting evidence, the clinical significance of this alteration remains unclear.

Fulgent Genetics
Classification: Uncertain significance for Cobalamin C disease. Last evaluated: 2024-02-15. Review status: criteria provided, single submitter. Criteria: ACMG Guidelines, 2015. Collection method: clinical testing. Allele origin: germline.

Women's Health and Genetics/Laboratory Corporation of America, LabCorp
Classification: Uncertain significance. Last evaluated: 2023-09-20. Review status: criteria provided, single submitter. Criteria: LabCorp Variant Classification Summary - May 2015. Collection method: clinical testing. Allele origin: germline.
Comment: Variant summary: MMACHC c.67G>T (p.Val23Phe) results in a non-conservative amino acid change in the encoded protein sequence. Four of five in-silico tools predict a damaging effect of the variant on protein function. The variant allele was found at a frequency of 0.00041 in 249562 control chromosomes. This frequency is not significantly higher than estimated for a pathogenic variant in MMACHC causing Methylmalonic Acidemia With Homocystinuria (0.00041 vs 0.0032), allowing no conclusion about variant significance. To our knowledge, no occurrence of c.67G>T in individuals affected with Methylmalonic Acidemia With Homocystinuria and no experimental evidence demonstrating its impact on protein function have been reported. Five submitters have cited clinical-significance assessments for this variant to ClinVar after 2014. All submitters classified the variant as uncertain significance. Based on the evidence outlined above, the variant was classified as uncertain significance.

Genome-Nilou Lab
Classification: Uncertain significance for Cobalamin C disease. Last evaluated: 2023-04-11. Review status: criteria provided, single submitter. Criteria: ACMG Guidelines, 2015. Collection method: clinical testing. Allele origin: germline. Affected: no.

CeGaT Center for Human Genetics Tuebingen
Classification: Uncertain significance. Last evaluated: 2021-11-01. Review status: criteria provided, single submitter. Criteria: CeGaT Center For Human Genetics Tuebingen Variant Classification Criteria Version 2. Collection method: clinical testing. Allele origin: germline. Affected: yes. Observed: 1 variant allele.

Illumina Laboratory Services, Illumina
Classification: Uncertain significance for Disorders of Intracellular Cobalamin Metabolism. Last evaluated: 2018-01-13. Review status: criteria provided, single submitter. Criteria: ICSL Variant Classification Criteria 13 December 2019. Collection method: clinical testing. Allele origin: germline.

Clinical Genetics DNA and cytogenetics Diagnostics Lab, Erasmus MC, Erasmus Medical Center
Classification: Uncertain significance. Review status: no assertion criteria provided. Collection method: clinical testing. Allele origin: germline. Affected: yes. Study: VKGL Data-share Consensus. Not counted in ClinVar's aggregate classification.

Clinical Genetics, Academic Medical Center
Classification: Uncertain significance. Review status: no assertion criteria provided. Collection method: clinical testing. Allele origin: germline. Affected: yes. Study: VKGL Data-share Consensus. Not counted in ClinVar's aggregate classification.

Laboratory of Diagnostic Genome Analysis, Leiden University Medical Center (LUMC)
Classification: Uncertain significance. Review status: no assertion criteria provided. Collection method: clinical testing. Allele origin: germline. Affected: yes. Study: VKGL Data-share Consensus. Not counted in ClinVar's aggregate classification.